The following is an entry in ClinVar:

ClinVar aggregate classification (germline): Conflicting classifications of pathogenicity. Review status: criteria provided, conflicting classifications (1 of 4 stars). 4 submissions from 4 submitters: Uncertain significance (3); Likely benign (1). Last evaluated 2024-11-11.

Conditions:
Hearing impairment. Also called: Impaired Hearing. Identifiers: MedGen C1384666, MONDO:0005365, HP:0000365.

Allele frequency attached by ClinVar (database versions not stated): ESP Exome Variant Server 0.00077; 1000 Genomes Project 30x 0.00016; 1000 Genomes Project 0.00020; TOPMed 0.00045; gnomAD 0.00051 and 0.00053; gnomAD exomes 0.00057.
gnomAD v4.1: 902 of 1,613,218 alleles (0.056%); highest among the groups gnomAD compares: Non-Finnish European, 0.059%; no homozygotes.

Submissions (4):

Labcorp Genetics (formerly Invitae), Labcorp
Classification: Uncertain significance. Last evaluated: 2024-11-11. Review status: criteria provided, single submitter. Criteria: Invitae Variant Classification Sherloc (09022015). Collection method: clinical testing. Allele origin: germline.
Comment: This sequence change replaces arginine, which is basic and polar, with tryptophan, which is neutral and slightly polar, at codon 525 of the TPRN protein (p.Arg525Trp). This variant is present in population databases (rs138547889, gnomAD 0.2%), and has an allele count higher than expected for a pathogenic variant. This variant has not been reported in the literature in individuals affected with TPRN-related conditions. ClinVar contains an entry for this variant (Variation ID: 668370). Invitae Evidence Modeling of protein sequence and biophysical properties (such as structural, functional, and spatial information, amino acid conservation, physicochemical variation, residue mobility, and thermodynamic stability) indicates that this missense variant is not expected to disrupt TPRN protein function with a negative predictive value of 80%. In summary, the available evidence is currently insufficient to determine the role of this variant in disease. Therefore, it has been classified as a Variant of Uncertain Significance.

Blueprint Genetics
Classification: Uncertain significance. Last evaluated: 2024-07-29. Review status: criteria provided, single submitter. Criteria: ACMG Guidelines, 2015. Collection method: clinical testing. Allele origin: germline.

Department of Otolaryngology – Head & Neck Surgery, Cochlear Implant Center
Classification: Uncertain significance for Hearing impairment. Last evaluated: 2021-04-12. Review status: criteria provided, single submitter. Criteria: ClinGen HL ACMG Specifications v1. Collection method: clinical testing. Allele origin: germline. Affected: yes.
Comment: PM2_Moderate, BP4_Supporting

GeneDx
Classification: Likely benign. Last evaluated: 2019-07-30. Review status: criteria provided, single submitter. Criteria: GeneDx Variant Classification Process June 2021. Collection method: clinical testing. Allele origin: germline. Affected: yes.

NM_001128228.3(TPRN):c.1573C>T (p.Arg525Trp)

Gene: TPRN (taperin; minus strand). Cytogenetic location: 9q34.3.
Variant type: single nucleotide variant.
Coding change: c.1573C>T on transcript NM_001128228.3 (MANE Select); coding-DNA position 1573, C replaced by T.
Protein change: p.Arg525Trp; replaces arginine 525 with tryptophan.
Molecular consequence: missense variant.
Genome position (GRCh38, 1-based): chr9:137,199,139, G>A on the plus strand (C>T on the coding strand, the complement: TPRN is on the minus strand). VCF-style: chr9-137199139-G-A. GRCh37 (hg19) VCF-style: chr9-140093591-G-A.
Other names: short protein forms R525W.
Identifiers: ClinVar variation 668370 (VCV000668370.10), dbSNP rs138547889, ClinGen allele CA5362707.
Genomic context (GRCh38, chr9:137,199,139, plus strand): 5'-GCTTCTTCAACGTGGGCCCCAGGAGGCAACTAGCCTCCTCCTCCTCGGCCTCCCGTGGCC[G>A]AGGCTCCCTGTTGGCCTGACTGAAGTGCTGGTCCTGCAGAGTCCCTGGCTTCCTCTTGGG-3'
Protein context (NP_001121700.2, residues 515-535): QHFSQANREP[Arg525Trp]PREAEEEEAS